The following is an entry in ClinVar:

NM_033118.4(MYLK2):c.391A>G (p.Lys131Glu)

Gene: MYLK2 (myosin light chain kinase 2; plus strand). Cytogenetic location: 20q11.21.
Variant type: single nucleotide variant.
Coding change: c.391A>G on transcript NM_033118.4 (MANE Select); coding-DNA position 391, A replaced by G.
Protein change: p.Lys131Glu; replaces lysine 131 with glutamic acid.
Molecular consequence: missense variant.
Genome position (GRCh38, 1-based): chr20:31,820,464, A>G. VCF-style: chr20-31820464-A-G. GRCh37 (hg19) VCF-style: chr20-30408267-A-G.
Other names: p.Lys131Glu; short protein forms K131E.
Identifiers: ClinVar variation 473046 (VCV000473046.9), dbSNP rs1555789906, ClinGen allele CA408525504.

ClinVar aggregate classification (germline): Uncertain significance. Review status: criteria provided, multiple submitters, no conflicts (2 of 4 stars). 2 submissions from 2 submitters: Uncertain significance (2). Last evaluated 2025-12-21.

Conditions:
Hypertrophic cardiomyopathy 1 (CMH1). Also called: MYH7-Related Familial Hypertrophic Cardiomyopathy; Familial hypertrophic cardiomyopathy 1. Identifiers: MedGen C3495498, MONDO:0008647, OMIM 192600.

gnomAD v4.1: 1 of 1,611,442 alleles (0.000062%); no homozygotes.

Submissions (2):

Labcorp Genetics (formerly Invitae), Labcorp
Classification: Uncertain significance for Hypertrophic cardiomyopathy 1. Last evaluated: 2025-12-21. Review status: criteria provided, single submitter. Criteria: Invitae Variant Classification Sherloc (09022015). Collection method: clinical testing. Allele origin: germline.
Comment: This sequence change replaces lysine, which is basic and polar, with glutamic acid, which is acidic and polar, at codon 131 of the MYLK2 protein (p.Lys131Glu). This variant is not present in population databases (gnomAD no frequency). This variant has not been reported in the literature in individuals affected with MYLK2-related conditions. ClinVar contains an entry for this variant (Variation ID: 473046). Invitae Evidence Modeling of protein sequence and biophysical properties (such as structural, functional, and spatial information, amino acid conservation, physicochemical variation, residue mobility, and thermodynamic stability) indicates that this missense variant is not expected to disrupt MYLK2 protein function with a negative predictive value of 80%. In summary, the available evidence is currently insufficient to determine the role of this variant in disease. Therefore, it has been classified as a Variant of Uncertain Significance.

Clinical Genomics Laboratory, Stanford Medicine
Classification: Uncertain significance for Hypertrophic cardiomyopathy 1. Last evaluated: 2021-07-21. Review status: criteria provided, single submitter. Criteria: ACMG Guidelines, 2015. Collection method: clinical testing. Allele origin: germline. Affected: yes. Observed: 1 heterozygote.
Comment: The p.Lys131Gluvariant in the MYLK2gene has not been previously reported in association with disease. This variantwas absent from large population databases, including the Genome Aggregation Database. Computational tools predict that this variant does not impact protein function; however, the accuracy of in silicoalgorithms is limited. These data were assessed using the ACMG/AMP variant interpretation guidelines. In summary, the significance of thep.Lys131Gluvariant is uncertain. Additional information is needed to resolve the significance of this variant. [ACMG evidence codes used: PM2; BP4]